The following is an entry in ClinVar:

ClinVar aggregate classification (germline): Uncertain significance (1 of 4 stars; one submission).

Conditions:
CC2D2A-related disorder. Also called: CC2D2A-related condition; CC2D2A-related disorders. Identifiers: MedGen CN239313.

Submission:

PreventionGenetics, part of Exact Sciences
Classification: Uncertain significance for CC2D2A-related condition. Last evaluated: 2025-06-25. Review status: criteria provided, single submitter. Criteria: ACMG Guidelines, 2015. Collection method: clinical testing. Allele origin: germline.
Comment: The CC2D2A c.3907T>C variant is predicted to result in the amino acid substitution p.Tyr1303His. To our knowledge, this variant has not been reported in the literature or in a large population database (gnomAD), indicating this variant is rare. At this time, the clinical significance of this variant is uncertain due to the absence of conclusive functional and genetic evidence.

NM_001378615.1(CC2D2A):c.3907T>C (p.Tyr1303His)

Genes: CC2D2A (coiled-coil and C2 domain containing 2A; plus strand), FBXL5 (F-box and leucine rich repeat protein 5; minus strand). Cytogenetic location: 4p15.32.
Variant type: single nucleotide variant.
Coding change: c.3907T>C on transcript NM_001378615.1 (MANE Select); coding-DNA position 3907, T replaced by C.
Protein change: p.Tyr1303His; replaces tyrosine 1303 with histidine.
Molecular consequence: missense variant.
Genome position (GRCh38, 1-based): chr4:15,580,103, T>C. VCF-style: chr4-15580103-T-C. GRCh37 (hg19) VCF-style: chr4-15581726-T-C.
Other names: c.3907T>C, p.Tyr1303His (NM_001080522.2); c.3760T>C, p.Tyr1254His (NM_001378617.1); short protein forms Y1254H, Y1303H.
Identifiers: ClinVar variation 5001259 (VCV005001259.1).
Genomic context (GRCh38, chr4:15,580,103, plus strand): 5'-AATCGTCAGTGCCTTACAACAGTAATTGATATAAGCGGAAAAACTGTTTTTATCACACGT[T>C]ATCTCAAACCTTTAAACCCTCCTCAGGAGCTCCTTAATGTCTACCCCAATAATCTACAGG-3'
Protein context (NP_001365544.1, residues 1293-1313): ISGKTVFITR[Tyr1303His]LKPLNPPQEL